The following is an entry in ClinVar:

NM_000051.4(ATM):c.2023_2024del (p.Gln675fs)

Gene: ATM (ATM serine/threonine kinase; plus strand). Cytogenetic location: 11q22.3.
Variant type: Deletion.
Coding change: c.2023_2024del on transcript NM_000051.4 (MANE Select); coding-DNA positions 2023 to 2024, 2 bases deleted (CA; older notation c.2023_2024delCA).
Protein change: p.Gln675fs; shifts the reading frame from glutamine 675.
Molecular consequence: frameshift variant.
Genome position (GRCh38, 1-based): chr11:108,253,938-108,253,939, CA deleted. VCF-style (leftmost placement, unchanged base first): chr11-108253937-CCA-C. GRCh37 (hg19) VCF-style: chr11-108124664-CCA-C.
Other names: c.2023_2024del, p.Gln675fs (NM_001351834.2); short protein forms Q675fs.
Identifiers: ClinVar variation 2679667 (VCV002679667.4), dbSNP rs2497314851, ClinGen allele CA2695199014.
Genomic context (GRCh38, chr11:108,253,937, plus strand): 5'-GACAACTTTTGACAAGATGGACTTTTTAACCATTGTGAGAGAATGTGGTATAGAAAAGCA[CCA>C]GTCCAGTATTGGCTTCTCTGTCCACCAGAATCTCAAGGAATCACTGGATCGCTGTCTTCT-3'

ClinVar aggregate classification (germline): Pathogenic/Likely pathogenic. Review status: criteria provided, multiple submitters, no conflicts (2 of 4 stars). 3 submissions from 3 submitters: Pathogenic (1); Likely pathogenic (2). Last evaluated 2025-12-14.

Conditions:
Familial cancer of breast. Also called: hereditary breast carcinoma; BREAST CANCER, FAMILIAL; Hereditary breast cancer. Identifiers: Orphanet 227535, MedGen C0346153, MONDO:0016419, OMIM 114480. Disease mechanism: loss of function.
Ataxia-telangiectasia syndrome (AT). Also called: ATAXIA-TELANGIECTASIA, COMPLEMENTATION GROUP A; ATAXIA-TELANGIECTASIA, FRESNO VARIANT; Ataxia-telangiectasia; Ataxia-telangiectasia, complementation group D; AT, COMPLEMENTATION GROUP C; LOUIS-BAR SYNDROME. Identifiers: Orphanet 100, MedGen C0004135, MONDO:0008840, OMIM 208900.

Submissions (3):

Labcorp Genetics (formerly Invitae), Labcorp
Classification: Pathogenic for Ataxia-telangiectasia syndrome. Last evaluated: 2025-12-14. Review status: criteria provided, single submitter. Criteria: Invitae Variant Classification Sherloc (09022015). Collection method: clinical testing. Allele origin: germline.
Comment: This sequence change creates a premature translational stop signal (p.Gln675Valfs*29) in the ATM gene. It is expected to result in an absent or disrupted protein product. Loss-of-function variants in ATM are known to be pathogenic (PMID: 23807571, 25614872). This variant is not present in population databases (gnomAD no frequency). This variant has not been reported in the literature in individuals affected with ATM-related conditions. ClinVar contains an entry for this variant (Variation ID: 2679667). For these reasons, this variant has been classified as Pathogenic.

Baylor Genetics
Classification: Likely pathogenic for Familial cancer of breast. Last evaluated: 2023-09-14. Review status: criteria provided, single submitter. Criteria: ACMG Guidelines, 2015. Collection method: clinical testing. Allele origin: unknown.

Juno Genomics, Hangzhou Juno Genomics, Inc
Classification: Likely pathogenic for Familial cancer of breast; Ataxia-telangiectasia syndrome. Review status: criteria provided, single submitter. Criteria: ACMG Guidelines, 2015. Collection method: clinical testing. Allele origin: germline.
Comment: Absent from controls (or at extremely low frequency if recessive) in Genome Aggregation Database.;Null variant in a gene where loss of function (LOF) is a known mechanism of disease.

Literature cited by the submitters: PubMed 23807571 (cited by Labcorp Genetics (formerly Invitae), Labcorp); PubMed 25614872 (cited by Labcorp Genetics (formerly Invitae), Labcorp).